The following is an entry in ClinVar:

NM_001283009.2(RTEL1):c.2713C>A (p.Gln905Lys)

Genes: RTEL1 (regulator of telomere elongation helicase 1; plus strand), RTEL1-TNFRSF6B (RTEL1-TNFRSF6B readthrough (NMD candidate); plus strand). Cytogenetic location: 20q13.33.
Variant type: single nucleotide variant.
Coding change: c.2713C>A on transcript NM_001283009.2 (MANE Select); coding-DNA position 2713, C replaced by A.
Protein change: p.Gln905Lys; replaces glutamine 905 with lysine.
Molecular consequence: missense variant. On other transcripts: non-coding transcript variant (1).
Genome position (GRCh38, 1-based): chr20:63,692,865, C>A. VCF-style: chr20-63692865-C-A. GRCh37 (hg19) VCF-style: chr20-62324218-C-A.
Other names: c.2044C>A, p.Gln682Lys (NM_001283010.1); c.2713C>A, p.Gln905Lys (NM_016434.4); c.2785C>A, p.Gln929Lys (NM_032957.5); short protein forms Q682K, Q905K, Q929K.
Identifiers: ClinVar variation 4060935 (VCV004060935.2).

ClinVar aggregate classification (germline): Uncertain significance. Review status: criteria provided, single submitter (1 of 4 stars). 2 submissions from 2 submitters: Uncertain significance (1). 1 of the submissions does not count toward it. Last evaluated 2025-11-10.

Conditions:
Dyskeratosis congenita. Identifiers: Orphanet 1775, MedGen C0265965, MONDO:0015780.
Inborn genetic diseases. Identifiers: MedGen C0950123, MeSH D030342.

gnomAD v4.1: 5 of 1,612,672 alleles (0.00031%); highest among the groups gnomAD compares: Admixed American, 0.0083%; no homozygotes.

Submissions (2):

Ambry Genetics
Classification: Uncertain significance for Inborn genetic diseases. Last evaluated: 2025-11-10. Review status: criteria provided, single submitter. Criteria: Ambry Variant Classification Scheme 2023. Collection method: clinical testing. Allele origin: germline.
Comment: The p.Q905K variant (also known as c.2713C>A), located in coding exon 28 of the RTEL1 gene, results from a C to A substitution at nucleotide position 2713. The glutamine at codon 905 is replaced by lysine, an amino acid with similar properties. This amino acid position is conserved. In addition, this alteration is predicted to be tolerated by in silico analysis. Based on the available evidence, the clinical significance of this variant remains unclear.

Natera, Inc.
Classification: Uncertain significance for Dyskeratosis congenita. Last evaluated: 2025-03-20. Review status: no assertion criteria provided. Collection method: clinical testing. Allele origin: germline. Not counted in ClinVar's aggregate classification.